The following is an entry in ClinVar:

NM_032638.5(GATA2):c.1103_1104del (p.Pro368fs)

Gene: GATA2 (GATA binding protein 2; minus strand). Cytogenetic location: 3q21.3.
Variant type: Deletion.
Coding change: c.1103_1104del on transcript NM_032638.5 (MANE Select); coding-DNA positions 1103 to 1104, 2 bases deleted (CT; older notation c.1103_1104delCT).
Protein change: p.Pro368fs; shifts the reading frame from proline 368.
Molecular consequence: frameshift variant.
Genome position (GRCh38, 1-based): chr3:128,481,858-128,481,859, AG deleted on the plus strand (CT on the coding strand, the reverse complement: GATA2 is on the minus strand). VCF-style (leftmost placement, unchanged base first): chr3-128481857-CAG-C. GRCh37 (hg19) VCF-style: chr3-128200700-CAG-C.
Other names: c.1103_1104del, p.Pro368fs (NM_001145661.2); c.1061_1062del, p.Pro354fs (NM_001145662.1); short protein forms P354fs, P368fs.
Identifiers: ClinVar variation 1184160 (VCV001184160.2), dbSNP rs2107668641, ClinGen allele CA2499216432.

ClinVar aggregate classification (germline): Pathogenic. Review status: criteria provided, multiple submitters, no conflicts (2 of 4 stars). 2 submissions from 2 submitters: Pathogenic (2). Last evaluated 2021-07-06.

Conditions:
GATA2-related disorder. Also called: GATA2-Related Disorders; GATA2-related condition.
GATA2 deficiency with susceptibility to MDS/AML. Identifiers: MedGen CN300066, MONDO:0042982.
Deafness-lymphedema-leukemia syndrome. Also called: Lymphedema, primary, with myelodysplasia; Emberger syndrome. Identifiers: Orphanet 3226, MedGen C3279664, MONDO:0013540, OMIM 614038.

Submissions (2):

Molecular Pathology Research Laboratory, SA Pathology
Classification: Pathogenic for GATA2 deficiency with susceptibility to MDS/AML; Deafness-lymphedema-leukemia syndrome. Last evaluated: 2021-07-06. Review status: criteria provided, single submitter. Criteria: ACMG Guidelines, 2015. Collection method: curation. Allele origin: unknown. Inheritance: Autosomal dominant inheritance. Affected: yes. Observed: 1 variant allele.
Comment: PVS1, PS4_Supporting, PM2

Blueprint Genetics
Classification: Pathogenic for GATA2-related disorders. Last evaluated: 2019-12-05. Review status: criteria provided, single submitter. Criteria: ACMG Guidelines, 2015. Collection method: clinical testing. Allele origin: germline. Affected: yes. Observed: 1 variant allele.

Literature cited by the submitters: PubMed 29724903 (cited by Molecular Pathology Research Laboratory, SA Pathology).